The following is an entry in ClinVar:

ClinVar aggregate classification (germline): Uncertain significance (1 of 4 stars; one submission).

Allele frequency attached by ClinVar (database versions not stated): ExAC 0.00002.
gnomAD v4.1: 17 of 1,614,180 alleles (0.0011%); highest among the groups gnomAD compares: Non-Finnish European, 0.0014%; no homozygotes.

Submission:

Labcorp Genetics (formerly Invitae), Labcorp
Classification: Uncertain significance. Last evaluated: 2019-10-31. Review status: criteria provided, single submitter. Criteria: Invitae Variant Classification Sherloc (09022015). Collection method: clinical testing. Allele origin: germline.
Comment: In summary, the available evidence is currently insufficient to determine the role of this variant in disease. Therefore, it has been classified as a Variant of Uncertain Significance. Algorithms developed to predict the effect of missense changes on protein structure and function are either unavailable or do not agree on the potential impact of this missense change (SIFT: "Tolerated"; PolyPhen-2: "Not available"; Align-GVGD: "Class C0"). This variant has not been reported in the literature in individuals with ZNF408-related conditions. This variant is present in population databases (rs767614212, ExAC 0.005%). This sequence change replaces glutamic acid with aspartic acid at codon 10 of the ZNF408 protein (p.Glu10Asp). The glutamic acid residue is weakly conserved and there is a small physicochemical difference between glutamic acid and aspartic acid.

NM_024741.3(ZNF408):c.30G>C (p.Glu10Asp)

Genes: ZNF408 (zinc finger protein 408; plus strand), LOC130005659 (ATAC-STARR-seq lymphoblastoid active region 4684; plus strand). Cytogenetic location: 11p11.2.
Variant type: single nucleotide variant.
Coding change: c.30G>C on transcript NM_024741.3 (MANE Select); coding-DNA position 30, G replaced by C.
Protein change: p.Glu10Asp; replaces glutamic acid 10 with aspartic acid.
Molecular consequence: missense variant. On other transcripts: 5 prime UTR variant (1).
Genome position (GRCh38, 1-based): chr11:46,701,077, G>C. VCF-style: chr11-46701077-G-C. GRCh37 (hg19) VCF-style: chr11-46722627-G-C.
Other names: c.-37G>C (NM_001184751.2); short protein forms E10D.
Identifiers: ClinVar variation 968478 (VCV000968478.10), dbSNP rs767614212, ClinGen allele CA5966177.